The following is an entry in ClinVar:

ClinVar aggregate classification (germline): Uncertain significance (1 of 4 stars; one submission).

Conditions:
Hereditary cancer-predisposing syndrome. Also called: Neoplastic Syndromes, Hereditary; Tumor predisposition; Hereditary Cancer Syndrome; Hereditary neoplastic syndrome. Identifiers: Orphanet 140162, MedGen C0027672, MeSH D009386, MONDO:0015356.

Submission:

Ambry Genetics
Classification: Uncertain significance for Hereditary cancer-predisposing syndrome. Last evaluated: 2024-07-27. Review status: criteria provided, single submitter. Criteria: Ambry Variant Classification Scheme 2023. Collection method: clinical testing. Allele origin: germline.
Comment: The p.R444K variant (also known as c.1331G>A), located in coding exon 11 of the PMS2 gene, results from a G to A substitution at nucleotide position 1331. The arginine at codon 444 is replaced by lysine, an amino acid with highly similar properties. This amino acid position is conserved. In addition, this alteration is predicted to be tolerated by in silico analysis. Based on the available evidence, the clinical significance of this variant remains unclear.

NM_000535.7(PMS2):c.1331G>A (p.Arg444Lys)

Gene: PMS2 (PMS1 homolog 2, mismatch repair system component; minus strand). Cytogenetic location: 7p22.1.
Variant type: single nucleotide variant.
Coding change: c.1331G>A on transcript NM_000535.7 (MANE Select); coding-DNA position 1331, G replaced by A.
Protein change: p.Arg444Lys; replaces arginine 444 with lysine.
Molecular consequence: missense variant. On other transcripts: non-coding transcript variant (1), intron variant (1).
Genome position (GRCh38, 1-based): chr7:5,987,434, C>T on the plus strand (G>A on the coding strand, the complement: PMS2 is on the minus strand). VCF-style: chr7-5987434-C-T. GRCh37 (hg19) VCF-style: chr7-6027065-C-T.
Other names: c.926G>A, p.Arg309Lys (NM_001322003.2, NM_001322004.2, NM_001322005.2 and 16 more transcripts); c.1175G>A, p.Arg392Lys (NM_001322006.2, NM_001406870.1); c.1013G>A, p.Arg338Lys (NM_001322007.2, NM_001322008.2, NM_001406876.1 and 2 more transcripts); c.770G>A, p.Arg257Lys (NM_001322010.2, NM_001406906.1, NM_001406907.1); c.398G>A, p.Arg133Lys (NM_001322011.2, NM_001322012.2); c.758G>A, p.Arg253Lys (NM_001322013.2, NM_001406909.1); c.1331G>A, p.Arg444Lys (NM_001322014.2, NM_001406871.1, NM_001406872.1); c.1022G>A, p.Arg341Lys (NM_001322015.2, NM_001406875.1, NM_001406877.1 and 5 more transcripts); and 13 more; short protein forms R133K, R187K, R286K, R322K, R336K, R392K, R253K, R273K.
Identifiers: ClinVar variation 3421482 (VCV003421482.1).